The following is an entry in ClinVar:

ClinVar aggregate classification (germline): Uncertain significance (1 of 4 stars; one submission).

Conditions:
Marfan syndrome (MFS). Also called: FBN1-Related Marfan Syndrome; MARFAN SYNDROME, TYPE I; Marfan syndrome type 1; Marfan's syndrome; Marfan syndrome, classic. Identifiers: Orphanet 284963, Orphanet 558, MedGen C0024796, MONDO:0007947, OMIM 154700.
Familial thoracic aortic aneurysm and aortic dissection (TAAD). Also called: Thoracic aortic aneurysms and dissections. Identifiers: Orphanet 91387, MedGen C4707243, MONDO:0019625.

Submission:

Labcorp Genetics (formerly Invitae), Labcorp
Classification: Uncertain significance for Marfan syndrome; Familial thoracic aortic aneurysm and aortic dissection. Last evaluated: 2019-08-24. Review status: criteria provided, single submitter. Criteria: Invitae Variant Classification Sherloc (09022015). Collection method: clinical testing. Allele origin: germline.
Comment: In summary, the available evidence is currently insufficient to determine the role of this variant in disease. Therefore, it has been classified as a Variant of Uncertain Significance. Algorithms developed to predict the effect of missense changes on protein structure and function are either unavailable or do not agree on the potential impact of this missense change (SIFT: "Deleterious"; PolyPhen-2: "Probably Damaging"; Align-GVGD: "Class C0"). This variant has not been reported in the literature in individuals with FBN1-related conditions. This variant is not present in population databases (ExAC no frequency). This sequence change replaces glycine with valine at codon 2279 of the FBN1 protein (p.Gly2279Val). The glycine residue is highly conserved and there is a moderate physicochemical difference between glycine and valine.

NM_000138.5(FBN1):c.6836G>T (p.Gly2279Val)

Gene: FBN1 (fibrillin 1; minus strand). Cytogenetic location: 15q21.1.
Variant type: single nucleotide variant.
Coding change: c.6836G>T on transcript NM_000138.5 (MANE Select); coding-DNA position 6836, G replaced by T.
Protein change: p.Gly2279Val; replaces glycine 2279 with valine.
Molecular consequence: missense variant.
Genome position (GRCh38, 1-based): chr15:48,430,706, C>A on the plus strand (G>T on the coding strand, the complement: FBN1 is on the minus strand). VCF-style: chr15-48430706-C-A. GRCh37 (hg19) VCF-style: chr15-48722903-C-A.
Other names: short protein forms G2279V.
Identifiers: ClinVar variation 961059 (VCV000961059.9), dbSNP rs2043017049, ClinGen allele CA392332140.